The following is an entry in ClinVar:

NM_004260.4(RECQL4):c.3573C>G (p.Ser1191Arg)

Gene: RECQL4 (RecQ like helicase 4; minus strand). Cytogenetic location: 8q24.3.
Variant type: single nucleotide variant.
Coding change: c.3573C>G on transcript NM_004260.4 (MANE Select); coding-DNA position 3573, C replaced by G.
Protein change: p.Ser1191Arg; replaces serine 1191 with arginine.
Molecular consequence: missense variant.
Genome position (GRCh38, 1-based): chr8:144,511,485, G>C on the plus strand (C>G on the coding strand, the complement: RECQL4 is on the minus strand). VCF-style: chr8-144511485-G-C. GRCh37 (hg19) VCF-style: chr8-145736868-G-C.
Other names: short protein forms S1191R.
Identifiers: ClinVar variation 1388570 (VCV001388570.6), dbSNP rs199885535, ClinGen allele CA372665743.
Genomic context (GRCh38, chr8:144,511,485, plus strand): 5'-GTGCAGTCAGCGGGCCACCTGCAGGAGCTCTTCCGTGGCCAGGCCCACCAGGGCATGGAA[G>C]CTCAGGTGCAGGTATTTTCTCCAGAAGCGTCGGTCCTGCCCGTACACCTGGGCCGGGTAG-3'
Protein context (NP_004251.4, residues 1181-1201): RRFWRKYLHL[Ser1191Arg]FHALVGLATE

ClinVar aggregate classification (germline): Uncertain significance (1 of 4 stars; one submission).

Conditions:
Baller-Gerold syndrome (BGS). Also called: CRANIOSYNOSTOSIS WITH RADIAL DEFECTS. Identifiers: Orphanet 1225, MedGen C0265308, MONDO:0009039, OMIM 218600.

gnomAD v4.1: 1 of 1,612,618 alleles (0.000062%); highest among the groups gnomAD compares: Non-Finnish European, 0.000085%; no homozygotes.

Submission:

Labcorp Genetics (formerly Invitae), Labcorp
Classification: Uncertain significance for Baller-Gerold syndrome. Last evaluated: 2020-11-15. Review status: criteria provided, single submitter. Criteria: Invitae Variant Classification Sherloc (09022015). Collection method: clinical testing. Allele origin: germline.
Comment: This sequence change replaces serine with arginine at codon 1191 of the RECQL4 protein (p.Ser1191Arg). The serine residue is moderately conserved and there is a moderate physicochemical difference between serine and arginine. This variant is not present in population databases (ExAC no frequency). This variant has been observed in individual(s) with clinical suspicion of Rothmund-Thomson syndrome (PMID: 27247962). Experimental studies and prediction algorithms are not available or were not evaluated, and the functional significance of this variant is currently unknown. In summary, the available evidence is currently insufficient to determine the role of this variant in disease. Therefore, it has been classified as a Variant of Uncertain Significance.

Literature cited by the submitters: PubMed 27247962.